The following is an entry in ClinVar:

NM_012193.4(FZD4):c.1336G>C (p.Val446Leu)

Genes: FZD4 (frizzled class receptor 4; minus strand), PRSS23 (serine protease 23; plus strand). Cytogenetic location: 11q14.2.
Variant type: single nucleotide variant.
Coding change: c.1336G>C on transcript NM_012193.4 (MANE Select); coding-DNA position 1336, G replaced by C.
Protein change: p.Val446Leu; replaces valine 446 with leucine.
Molecular consequence: missense variant. On other transcripts: non-coding transcript variant (2).
Genome position (GRCh38, 1-based): chr11:86,951,420, C>G on the plus strand (G>C on the coding strand, the complement: FZD4 is on the minus strand). VCF-style: chr11-86951420-C-G. GRCh37 (hg19) VCF-style: chr11-86662462-C-G.
Other names: short protein forms V446L.
Identifiers: ClinVar variation 1358186 (VCV001358186.8), dbSNP rs1401889016, ClinGen allele CA382011664.

ClinVar aggregate classification (germline): Uncertain significance (1 of 4 stars; one submission).

Allele frequency attached by ClinVar (database versions not stated): gnomAD exomes below 0.00001.
gnomAD v4.1: 4 of 1,612,104 alleles (0.00025%); highest among the groups gnomAD compares: South Asian, 0.0033%; no homozygotes.

Submission:

Labcorp Genetics (formerly Invitae), Labcorp
Classification: Uncertain significance. Last evaluated: 2024-09-09. Review status: criteria provided, single submitter. Criteria: Invitae Variant Classification Sherloc (09022015). Collection method: clinical testing. Allele origin: germline.
Comment: This sequence change replaces valine, which is neutral and non-polar, with leucine, which is neutral and non-polar, at codon 446 of the FZD4 protein (p.Val446Leu). This variant is present in population databases (no rsID available, gnomAD 0.0009%). This variant has not been reported in the literature in individuals affected with FZD4-related conditions. ClinVar contains an entry for this variant (Variation ID: 1358186). Invitae Evidence Modeling of protein sequence and biophysical properties (such as structural, functional, and spatial information, amino acid conservation, physicochemical variation, residue mobility, and thermodynamic stability) indicates that this missense variant is not expected to disrupt FZD4 protein function with a negative predictive value of 80%. In summary, the available evidence is currently insufficient to determine the role of this variant in disease. Therefore, it has been classified as a Variant of Uncertain Significance.